The following is an entry in ClinVar:

ClinVar aggregate classification (germline): Uncertain significance (1 of 4 stars; one submission).

gnomAD v4.1: 32 of 1,461,804 alleles (0.0022%); highest among the groups gnomAD compares: South Asian, 0.005%; no homozygotes.

Submission:

Labcorp Genetics (formerly Invitae), Labcorp
Classification: Uncertain significance. Last evaluated: 2024-07-09. Review status: criteria provided, single submitter. Criteria: Invitae Variant Classification Sherloc (09022015). Collection method: clinical testing. Allele origin: germline.
Comment: This sequence change replaces glycine, which is neutral and non-polar, with arginine, which is basic and polar, at codon 310 of the GDF1 protein (p.Gly310Arg). This variant is not present in population databases (gnomAD no frequency). This variant has not been reported in the literature in individuals affected with GDF1-related conditions. An algorithm developed to predict the effect of missense changes on protein structure and function (PolyPhen-2) suggests that this variant is likely to be disruptive. In summary, the available evidence is currently insufficient to determine the role of this variant in disease. Therefore, it has been classified as a Variant of Uncertain Significance.

NM_001492.6(GDF1):c.928G>A (p.Gly310Arg)

Genes: CERS1 (ceramide synthase 1; minus strand), GDF1 (growth differentiation factor 1; minus strand). Cytogenetic location: 19p13.11.
Variant type: single nucleotide variant.
Coding change: c.928G>A on transcript NM_001492.6 (MANE Select); coding-DNA position 928, G replaced by A.
Protein change: p.Gly310Arg; replaces glycine 310 with arginine.
Molecular consequence: missense variant. On other transcripts: 3 prime UTR variant (2).
Genome position (GRCh38, 1-based): chr19:18,868,788, C>T on the plus strand (G>A on the coding strand, the complement: GDF1 is on the minus strand). VCF-style: chr19-18868788-C-T. GRCh37 (hg19) VCF-style: chr19-18979597-C-T.
Other names: c.*1789G>A (NM_001387440.1); c.*1197G>A (NM_021267.5); c.928G>A, p.Gly310Arg (NM_001387438.1); short protein forms G310R.
Identifiers: ClinVar variation 3605460 (VCV003605460.2).